The following is an entry in ClinVar:

NM_001012614.2(CTBP1):c.162+159G>T

Gene: CTBP1 (C-terminal binding protein 1; minus strand). Cytogenetic location: 4p16.3.
Variant type: single nucleotide variant.
Coding change: c.162+159G>T on transcript NM_001012614.2 (MANE Select); 159 bases into the intron after coding-DNA position 162, G replaced by T.
Molecular consequence: intron variant.
Genome position (GRCh38, 1-based): chr4:1,238,024, C>A on the plus strand (G>T on the coding strand, the complement: CTBP1 is on the minus strand). VCF-style: chr4-1238024-C-A. GRCh37 (hg19) VCF-style: chr4-1231812-C-A.
Other names: c.162+159G>T (NM_001377192.1, NM_001377189.1, NM_001377193.1 and 4 more transcripts); c.195+159G>T (NM_001328.3, NM_001377186.1).
Identifiers: ClinVar variation 3025097 (VCV003025097.23), dbSNP rs759422795, ClinGen allele CA2804528.

ClinVar aggregate classification (germline): Likely benign. Review status: criteria provided, multiple submitters, no conflicts (2 of 4 stars). 2 submissions from 2 submitters: Likely benign (2). Last evaluated 2024-02-01.

Allele frequency attached by ClinVar (database versions not stated): ExAC 0.00020.
gnomAD v4.1: 39 of 957,660 alleles (0.0041%); highest among the groups gnomAD compares: Non-Finnish European, 0.0026%; no homozygotes.

Submissions (2):

CeGaT Center for Human Genetics Tuebingen
Classification: Likely benign. Last evaluated: 2024-02-01. Review status: criteria provided, single submitter. Criteria: CeGaT Center For Human Genetics Tuebingen Variant Classification Criteria Version 2. Collection method: clinical testing. Allele origin: germline. Affected: yes. Observed: 1 variant allele.
Comment: CTBP1: BP4, BP7

Breakthrough Genomics
Classification: Likely benign. Review status: criteria provided, single submitter. Criteria: ACMG Guidelines, 2015. Collection method: not provided. Allele origin: germline. Inheritance: Autosomal dominant inheritance. Affected: yes.